The following is an entry in ClinVar:

NM_001375524.1(TRRAP):c.8575G>A (p.Val2859Ile)

Gene: TRRAP (transformation/transcription domain associated protein; plus strand). Cytogenetic location: 7q22.1.
Variant type: single nucleotide variant.
Coding change: c.8575G>A on transcript NM_001375524.1 (MANE Select); coding-DNA position 8575, G replaced by A.
Protein change: p.Val2859Ile; replaces valine 2859 with isoleucine.
Molecular consequence: missense variant.
Genome position (GRCh38, 1-based): chr7:98,978,845, G>A. VCF-style: chr7-98978845-G-A. GRCh37 (hg19) VCF-style: chr7-98576468-G-A.
Other names: c.8554G>A, p.Val2852Ile (NM_001244580.2); c.8500G>A, p.Val2834Ile (NM_003496.4); short protein forms V2834I, V2852I, V2859I.
Identifiers: ClinVar variation 3604530 (VCV003604530.2).

ClinVar aggregate classification (germline): Uncertain significance (1 of 4 stars; one submission).

gnomAD v4.1: 47 of 1,614,110 alleles (0.0029%); highest among the groups gnomAD compares: Non-Finnish European, 0.0034%; no homozygotes.

Submission:

Labcorp Genetics (formerly Invitae), Labcorp
Classification: Uncertain significance. Last evaluated: 2024-07-09. Review status: criteria provided, single submitter. Criteria: Invitae Variant Classification Sherloc (09022015). Collection method: clinical testing. Allele origin: germline.
Comment: This sequence change replaces valine, which is neutral and non-polar, with isoleucine, which is neutral and non-polar, at codon 2834 of the TRRAP protein (p.Val2834Ile). This variant is present in population databases (rs375820028, gnomAD 0.004%). This variant has not been reported in the literature in individuals affected with TRRAP-related conditions. Advanced modeling of protein sequence and biophysical properties (such as structural, functional, and spatial information, amino acid conservation, physicochemical variation, residue mobility, and thermodynamic stability) performed at Invitae indicates that this missense variant is not expected to disrupt TRRAP protein function with a negative predictive value of 80%. In summary, the available evidence is currently insufficient to determine the role of this variant in disease. Therefore, it has been classified as a Variant of Uncertain Significance.